The following is an entry in ClinVar:

NM_017763.6(RNF43):c.583-12C>T

Gene: RNF43 (ring finger protein 43; minus strand). Cytogenetic location: 17q22.
Variant type: single nucleotide variant.
Coding change: c.583-12C>T on transcript NM_017763.6 (MANE Select); 12 bases into the intron before coding-DNA position 583, C replaced by T.
Molecular consequence: intron variant.
Genome position (GRCh38, 1-based): chr17:58,362,660, G>A on the plus strand (C>T on the coding strand, the complement: RNF43 is on the minus strand). VCF-style: chr17-58362660-G-A. GRCh37 (hg19) VCF-style: chr17-56440021-G-A.
Other names: c.583-12C>T (NM_001438822.1, NM_001305544.3, NM_001438820.1 and 1 more transcripts); c.202-12C>T (NM_001305545.2, NM_001437987.1).
Identifiers: ClinVar variation 1586258 (VCV001586258.11), dbSNP rs186953255, ClinGen allele CA8673369.
Genomic context (GRCh38, chr17:58,362,660, plus strand): 5'-CAAAGATGGTGCCCACCACTGTCATTAGGATCCACACATCATAATCTGGCTGGGGAGTGA[G>A]CAGAGAGGGAAAGGGTCATACTTCCGGGATGAGCTGGGTCAATTCGGGAGGAAACACAGG-3'

ClinVar aggregate classification (germline): Benign/Likely benign. Review status: criteria provided, multiple submitters, no conflicts (2 of 4 stars). 3 submissions from 3 submitters: Benign (1); Likely benign (2). Last evaluated 2026-06-26.

Conditions:
Sessile serrated polyposis cancer syndrome (SSPCS). Identifiers: Orphanet 157798, MedGen C4310714, MONDO:0014919, OMIM 617108.

Allele frequency attached by ClinVar (database versions not stated): gnomAD exomes 0.00005; TOPMed 0.00012; gnomAD 0.00005 and 0.00009; 1000 Genomes Project 0.00080; 1000 Genomes Project 30x 0.00078.
gnomAD v4.1: 96 of 1,597,342 alleles (0.006%); highest among the groups gnomAD compares: East Asian, 0.19%; no homozygotes.

Submissions (3):

Myriad Genetics, Inc.
Classification: Likely benign for Sessile serrated polyposis cancer syndrome. Last evaluated: 2026-06-26. Review status: criteria provided, single submitter. Criteria: Myriad Autosomal Dominant, Autosomal Recessive and X-Linked Classification Criteria (2023). Collection method: clinical testing. Allele origin: unknown.
Comment: This variant is considered likely benign. This variant is intronic and is not expected to impact mRNA splicing.

Labcorp Genetics (formerly Invitae), Labcorp
Classification: Benign. Last evaluated: 2025-10-07. Review status: criteria provided, single submitter. Criteria: Invitae Variant Classification Sherloc (09022015). Collection method: clinical testing. Allele origin: germline.

Department of Pathology and Laboratory Medicine, Sinai Health System
Classification: Likely benign for sessile serrated polyposis cancer syndrome. Last evaluated: 2022-08-30. Review status: criteria provided, single submitter. Criteria: ACMG Guidelines, 2015. Collection method: clinical testing. Allele origin: germline. Affected: no.